The following is an entry in ClinVar:

ClinVar aggregate classification (germline): Uncertain significance (1 of 4 stars; one submission).

Allele frequency attached by ClinVar (database versions not stated): TOPMed below 0.00001; gnomAD exomes 0.00001; ExAC 0.00002.
gnomAD v4.1: 8 of 1,614,274 alleles (0.0005%); highest among the groups gnomAD compares: Non-Finnish European, 0.00068%; no homozygotes.

Submission:

CeGaT Center for Human Genetics Tuebingen
Classification: Uncertain significance. Last evaluated: 2022-06-01. Review status: criteria provided, single submitter. Criteria: CeGaT Center For Human Genetics Tuebingen Variant Classification Criteria Version 2. Collection method: clinical testing. Allele origin: germline. Affected: yes. Observed: 1 variant allele.
Comment: POMT2: PM2

NM_013382.7(POMT2):c.733G>A (p.Val245Ile)

Gene: POMT2 (protein O-mannosyltransferase 2; minus strand). Cytogenetic location: 14q24.3.
Variant type: single nucleotide variant.
Coding change: c.733G>A on transcript NM_013382.7 (MANE Select); coding-DNA position 733, G replaced by A.
Protein change: p.Val245Ile; replaces valine 245 with isoleucine.
Molecular consequence: missense variant.
Genome position (GRCh38, 1-based): chr14:77,301,173, C>T on the plus strand (G>A on the coding strand, the complement: POMT2 is on the minus strand). VCF-style: chr14-77301173-C-T. GRCh37 (hg19) VCF-style: chr14-77767516-C-T.
Other names: short protein forms V245I.
Identifiers: ClinVar variation 1694724 (VCV001694724.31), dbSNP rs765784041, ClinGen allele CA7286099.